The following is an entry in ClinVar:

ClinVar aggregate classification (germline): Uncertain significance. Review status: criteria provided, multiple submitters, no conflicts (2 of 4 stars). 2 submissions from 2 submitters: Uncertain significance (2). Last evaluated 2025-11-19.

Conditions:
Inborn genetic diseases. Identifiers: MedGen C0950123, MeSH D030342.

Allele frequency attached by ClinVar (database versions not stated): gnomAD exomes below 0.00001; TOPMed below 0.00001.
gnomAD v4.1: 2 of 1,613,874 alleles (0.00012%); highest among the groups gnomAD compares: African/African-American, 0.0027%; no homozygotes.

Submissions (2):

Ambry Genetics
Classification: Uncertain significance for Inborn genetic diseases. Last evaluated: 2025-11-19. Review status: criteria provided, single submitter. Criteria: Ambry Variant Classification Scheme 2023. Collection method: clinical testing. Allele origin: germline.

GeneDx
Classification: Uncertain significance. Last evaluated: 2019-12-16. Review status: criteria provided, single submitter. Criteria: GeneDx Variant Classification Process June 2021. Collection method: clinical testing. Allele origin: germline. Affected: yes.
Comment: Has not been previously published as pathogenic or benign to our knowledge; In silico analysis, which includes protein predictors and evolutionary conservation, supports that this variant does not alter protein structure/function; In-silico analysis, which includes splice predictors and evolutionary conservation, is inconclusive as to whether the variant alters gene splicing. In the absence of RNA/functional studies, the actual effect of this sequence change is unknown.; Not observed in large population cohorts (Lek et al., 2016)

NM_001365088.1(SLC12A6):c.2623A>G (p.Thr875Ala)

Genes: SLC12A6 (solute carrier family 12 member 6; minus strand), LOC126862097 (P300/CBP strongly-dependent group 1 enhancer GRCh37_chr15:34531007-34532206; plus strand). Cytogenetic location: 15q14.
Variant type: single nucleotide variant.
Coding change: c.2623A>G on transcript NM_001365088.1 (MANE Select); coding-DNA position 2623, A replaced by G.
Protein change: p.Thr875Ala; replaces threonine 875 with alanine.
Molecular consequence: missense variant.
Genome position (GRCh38, 1-based): chr15:34,238,974, T>C on the plus strand (A>G on the coding strand, the complement: SLC12A6 is on the minus strand). VCF-style: chr15-34238974-T-C. GRCh37 (hg19) VCF-style: chr15-34531175-T-C.
Other names: c.2446A>G, p.Thr816Ala (NM_001042495.2, NM_001042494.2); c.2596A>G, p.Thr866Ala (NM_001042496.2); c.2578A>G, p.Thr860Ala (NM_001042497.2); c.2470A>G, p.Thr824Ala (NM_005135.2); c.2623A>G, p.Thr875Ala (NM_133647.2); short protein forms T816A, T824A, T860A, T866A, T875A.
Identifiers: ClinVar variation 1311013 (VCV001311013.3), dbSNP rs1370563358, ClinGen allele CA391619105.